The following is an entry in ClinVar:

ClinVar aggregate classification (germline): Uncertain significance (1 of 4 stars; one submission).

Conditions:
Inborn genetic diseases. Identifiers: MedGen C0950123, MeSH D030342.

Submission:

Ambry Genetics
Classification: Uncertain significance for Inborn genetic diseases. Last evaluated: 2025-12-13. Review status: criteria provided, single submitter. Criteria: Ambry Variant Classification Scheme 2023. Collection method: clinical testing. Allele origin: germline.
Comment: The p.P223T variant (also known as c.667C>A), located in coding exon 5 of the ETV6 gene, results from a C to A substitution at nucleotide position 667. The proline at codon 223 is replaced by threonine, an amino acid with highly similar properties. This amino acid position is conserved. In addition, this alteration is predicted to be tolerated by in silico analysis. Based on the available evidence, the clinical significance of this variant remains unclear.

NM_001987.5(ETV6):c.667C>A (p.Pro223Thr)

Gene: ETV6 (ETS variant transcription factor 6; plus strand). Cytogenetic location: 12p13.2.
Variant type: single nucleotide variant.
Coding change: c.667C>A on transcript NM_001987.5 (MANE Select); coding-DNA position 667, C replaced by A.
Protein change: p.Pro223Thr; replaces proline 223 with threonine.
Molecular consequence: missense variant.
Genome position (GRCh38, 1-based): chr12:11,869,627, C>A. VCF-style: chr12-11869627-C-A. GRCh37 (hg19) VCF-style: chr12-12022561-C-A.
Other names: c.664C>A, p.Pro222Thr (NM_001413913.1); c.640C>A, p.Pro214Thr (NM_001413914.1); c.403C>A, p.Pro135Thr (NM_001413915.1); c.667C>A, p.Pro223Thr (NM_001413916.1, NM_001413917.1); short protein forms P135T, P214T, P222T, P223T.
Identifiers: ClinVar variation 4618891 (VCV004618891.1).